The following is an entry in ClinVar:

ClinVar aggregate classification (germline): Conflicting classifications of pathogenicity. Review status: criteria provided, conflicting classifications (1 of 4 stars). 5 submissions from 5 submitters: Uncertain significance (4); Likely benign (1). Last evaluated 2025-07-31.

Conditions:
Hereditary cancer-predisposing syndrome. Also called: Tumor predisposition; Hereditary neoplastic syndrome; Neoplastic Syndromes, Hereditary; Hereditary Cancer Syndrome. Identifiers: Orphanet 140162, MedGen C0027672, MeSH D009386, MONDO:0015356.
Isolated focal cortical dysplasia type II (FCORD2). Also called: Focal cortical dysplasia type II; CORTICAL DYSPLASIA OF TAYLOR. Identifiers: Orphanet 268994, MedGen C1846385, MONDO:0011818, OMIM 607341, HP:0032051.
Tuberous sclerosis 1 (TSC1). Identifiers: Orphanet 805, MedGen C1854465, MONDO:0008612, OMIM 191100.

Allele frequency attached by ClinVar (database versions not stated): gnomAD exomes below 0.00001.
gnomAD v4.1: 3 of 1,614,082 alleles (0.00019%); highest among the groups gnomAD compares: South Asian, 0.0022%; no homozygotes.

Submissions (5):

GeneDx
Classification: Uncertain significance. Last evaluated: 2025-07-31. Review status: criteria provided, single submitter. Criteria: GeneDx Variant Classification Process June 2021. Collection method: clinical testing. Allele origin: germline. Affected: yes.
Comment: Apparently de novo variant in published literature; however, the reported clinical features are only partially consistent with the features typically observed in individuals with pathogenic variants in this gene (PMID: 37063680); In silico analysis supports that this missense variant has a deleterious effect on protein structure/function; This variant is associated with the following publications: (PMID: 37063680)

Labcorp Genetics (formerly Invitae), Labcorp
Classification: Likely benign for Tuberous sclerosis 1. Last evaluated: 2024-05-21. Review status: criteria provided, single submitter. Criteria: Invitae Variant Classification Sherloc (09022015). Collection method: clinical testing. Allele origin: germline.

St. Jude Molecular Pathology, St. Jude Children's Research Hospital
Classification: Uncertain significance for Tuberous sclerosis 1. Last evaluated: 2024-05-15. Review status: criteria provided, single submitter. Criteria: St. Jude Assertion Criteria 2020. Collection method: clinical testing. Allele origin: germline.
Comment: The TSC1 c.611G>A (p.Arg204His) missense change has a maximum subpopulation frequency of 0.003% in gnomAD v2.1.1. The in silico tool REVEL predicts a deleterious effect on protein function, but this prediction has not been confirmed by functional studies. This variant has not been reported in individuals with tuberous sclerosis complex. In summary, the evidence currently available is insufficient to determine the clinical significance of this variant. It has therefore been classified as of uncertain significance.

Ambry Genetics
Classification: Uncertain significance for Hereditary cancer-predisposing syndrome. Last evaluated: 2024-04-07. Review status: criteria provided, single submitter. Criteria: Ambry Variant Classification Scheme 2023. Collection method: clinical testing. Allele origin: germline.
Comment: The p.R204H variant (also known as c.611G>A), located in coding exon 5 of the TSC1 gene, results from a G to A substitution at nucleotide position 611. The arginine at codon 204 is replaced by histidine, an amino acid with highly similar properties. This amino acid position is conserved. In addition, this alteration is predicted to be deleterious by in silico analysis. Since supporting evidence is limited at this time, the clinical significance of this alteration remains unclear.

Baylor Genetics
Classification: Uncertain significance for Isolated focal cortical dysplasia type II. Last evaluated: 2023-05-23. Review status: criteria provided, single submitter. Criteria: ACMG Guidelines, 2015. Collection method: clinical testing. Allele origin: unknown.

NM_000368.5(TSC1):c.611G>A (p.Arg204His)

Gene: TSC1 (TSC complex subunit 1; minus strand). Cytogenetic location: 9q34.13.
Variant type: single nucleotide variant.
Coding change: c.611G>A on transcript NM_000368.5 (MANE Select); coding-DNA position 611, G replaced by A.
Protein change: p.Arg204His; replaces arginine 204 with histidine.
Molecular consequence: missense variant.
Genome position (GRCh38, 1-based): chr9:132,921,871, C>T on the plus strand (G>A on the coding strand, the complement: TSC1 is on the minus strand). VCF-style: chr9-132921871-C-T. GRCh37 (hg19) VCF-style: chr9-135797258-C-T.
Other names: c.611G>A, p.Arg204His (NM_001162426.2); c.458G>A, p.Arg153His (NM_001162427.2); c.248G>A, p.Arg83His (NM_001362177.2); short protein forms R204H, R83H, R153H.
Identifiers: ClinVar variation 935146 (VCV000935146.16), dbSNP rs397514834, ClinGen allele CA375372466.
Genomic context (GRCh38, chr9:132,921,871, plus strand): 5'-CAATTTACCTTGACCACTTCTTCAAAAGTCTCCAGGTTTTCTTTCATACTGTAATGAGAA[C>T]GCAAAAAGGAGACGAAGTTGCAAGGGTACATTCCATAAAGGCGATGAAAGAGTGCGTACA-3'
Protein context (NP_000359.1, residues 194-214): MYPCNFVSFL[Arg204His]SHYSMKENLE